The following is an entry in ClinVar:

ClinVar aggregate classification (germline): Conflicting classifications of pathogenicity. Review status: criteria provided, conflicting classifications (1 of 4 stars). 2 submissions from 2 submitters: Likely pathogenic (1); Uncertain significance (1). Last evaluated 2022-11-28.

Conditions:
Hereditary spastic paraplegia 39 (SPG39). Also called: SPASTIC PARAPLEGIA 39, AUTOSOMAL RECESSIVE; Spastic Paraplegia Type 39 (SPG39). Identifiers: Orphanet 139480, MedGen C2677586, MONDO:0012787, OMIM 612020.

Allele frequency attached by ClinVar (database versions not stated): gnomAD exomes below 0.00001; ExAC 0.00001.
gnomAD v4.1: 1 of 1,608,412 alleles (0.000062%); highest among the groups gnomAD compares: Non-Finnish European, 0.000085%; no homozygotes.

Submissions (2):

GeneDx
Classification: Likely pathogenic. Last evaluated: 2022-11-28. Review status: criteria provided, single submitter. Criteria: GeneDx Variant Classification Process June 2021. Collection method: clinical testing. Allele origin: germline. Affected: yes.
Comment: Not observed at significant frequency in large population cohorts (gnomAD); In silico analysis supports that this missense variant has a deleterious effect on protein structure/function; This variant is associated with the following publications: (PMID: 25359264, 25480986, 35069422, 33141049)

Labcorp Genetics (formerly Invitae), Labcorp
Classification: Uncertain significance for Hereditary spastic paraplegia 39. Last evaluated: 2019-03-26. Review status: criteria provided, single submitter. Criteria: Invitae Variant Classification Sherloc (09022015). Collection method: clinical testing. Allele origin: germline.
Comment: In summary, the available evidence is currently insufficient to determine the role of this variant in disease. Therefore, it has been classified as a Variant of Uncertain Significance. Algorithms developed to predict the effect of missense changes on protein structure and function are either unavailable or do not agree on the potential impact of this missense change (SIFT: "Tolerated"; PolyPhen-2: "Probably Damaging"; Align-GVGD: "Class C0"). This variant has not been reported in the literature in individuals with PNPLA6-related conditions. This variant is present in population databases (rs765257753, ExAC 0.002%). This sequence change replaces alanine with threonine at codon 1098 of the PNPLA6 protein (p.Ala1098Thr). The alanine residue is moderately conserved and there is a small physicochemical difference between alanine and threonine.

NM_001166114.2(PNPLA6):c.3406G>A (p.Ala1136Thr)

Gene: PNPLA6 (patatin like domain 6, lysophospholipase; plus strand). Cytogenetic location: 19p13.2.
Variant type: single nucleotide variant.
Coding change: c.3406G>A on transcript NM_001166114.2 (MANE Select); coding-DNA position 3406, G replaced by A.
Protein change: p.Ala1136Thr; replaces alanine 1136 with threonine.
Molecular consequence: missense variant.
Genome position (GRCh38, 1-based): chr19:7,558,858, G>A. VCF-style: chr19-7558858-G-A. GRCh37 (hg19) VCF-style: chr19-7623744-G-A.
Other names: c.3436G>A, p.Ala1146Thr (NM_001166111.2); c.3211G>A, p.Ala1071Thr (NM_001166112.2); c.3292G>A, p.Ala1098Thr (NM_001166113.1, NM_006702.5); short protein forms A1136T, A1098T, A1146T, A1071T.
Identifiers: ClinVar variation 864667 (VCV000864667.9), dbSNP rs765257753, ClinGen allele CA9140484.